The following is an entry in ClinVar:

ClinVar aggregate classification (germline): Conflicting classifications of pathogenicity. Review status: criteria provided, conflicting classifications (1 of 4 stars). 4 submissions from 3 submitters: Uncertain significance (3); Likely benign (1). Last evaluated 2026-06-17.

Conditions:
CNGB3-related disorder. Also called: CNGB3-related disorders; CNGB3-related condition. Identifiers: MedGen CN239340.
Severe early-childhood-onset retinal dystrophy (STGD1). Also called: Stargardt macular dystrophy; Juvenile onset macular degeneration; Stargardt disease 1; MACULAR DYSTROPHY WITH FLECKS, TYPE 1; STGD. Identifiers: Orphanet 364055, Orphanet 827, MedGen C1855465, MeSH D000080362, MONDO:0009549, OMIM 248200.
Achromatopsia 3 (ACHM3). Also called: PINGELAPESE BLINDNESS; TOTAL COLORBLINDNESS WITH MYOPIA; ROD MONOCHROMACY 1; ROD MONOCHROMATISM 1; ACHROMATOPSIA WITH MYOPIA. Identifiers: Orphanet 49382, MedGen C1849792, MONDO:0009875, OMIM 262300.

Allele frequency attached by ClinVar (database versions not stated): TOPMed 0.00007; ESP Exome Variant Server 0.00008; gnomAD exomes 0.00010; gnomAD 0.00011; ExAC 0.00012.

Submissions (4):

PreventionGenetics, part of Exact Sciences
Classification: Uncertain significance for CNGB3-related condition. Last evaluated: 2026-06-17. Review status: criteria provided, single submitter. Criteria: ACMG Guidelines, 2015. Collection method: clinical testing. Allele origin: germline.
Comment: The CNGB3 c.721G>A variant is predicted to result in the amino acid substitution p.Val241Ile. To our knowledge, this variant has not been reported in the literature. This variant is reported in 0.039% of alleles in individuals of Ashkenazi Jewish descent in gnomAD. At this time, the clinical significance of this variant is uncertain due to the absence of conclusive functional and genetic evidence.

Labcorp Genetics (formerly Invitae), Labcorp
Classification: Likely benign. Last evaluated: 2025-12-15. Review status: criteria provided, single submitter. Criteria: Invitae Variant Classification Sherloc (09022015). Collection method: clinical testing. Allele origin: germline.

Illumina Laboratory Services, Illumina
Classification: Uncertain significance for Achromatopsia 3. Last evaluated: 2018-01-13. Review status: criteria provided, single submitter. Criteria: ICSL Variant Classification Criteria 13 December 2019. Collection method: clinical testing. Allele origin: germline.

Illumina Laboratory Services, Illumina
Classification: Uncertain significance for Severe early-childhood-onset retinal dystrophy. Last evaluated: 2018-01-13. Review status: criteria provided, single submitter. Criteria: ICSL Variant Classification Criteria 13 December 2019. Collection method: clinical testing. Allele origin: germline.

NM_019098.5(CNGB3):c.721G>A (p.Val241Ile)

Gene: CNGB3 (cyclic nucleotide gated channel subunit beta 3; minus strand). Cytogenetic location: 8q21.3.
Variant type: single nucleotide variant.
Coding change: c.721G>A on transcript NM_019098.5 (MANE Select); coding-DNA position 721, G replaced by A.
Protein change: p.Val241Ile; replaces valine 241 with isoleucine.
Molecular consequence: missense variant.
Genome position (GRCh38, 1-based): chr8:86,667,056, C>T on the plus strand (G>A on the coding strand, the complement: CNGB3 is on the minus strand). VCF-style: chr8-86667056-C-T. GRCh37 (hg19) VCF-style: chr8-87679284-C-T.
Other names: short protein forms V241I.
Identifiers: ClinVar variation 909687 (VCV000909687.13), dbSNP rs138320784, ClinGen allele CA4800291.
Genomic context (GRCh38, chr8:86,667,056, plus strand): 5'-CACATATGATGTCCGCAATAAGCCAGTAGTGTATGTTGTCTGCGGTTTGATATGGGAAGA[C>T]GAGGCGCAGTGGTATAAAACAGCAGTTCCAGTTATAGGCAAGAGTGACAAGCAAGAGCCA-3'
Protein context (NP_061971.3, residues 231-251): WNCCFIPLRL[Val241Ile]FPYQTADNIH